The following is an entry in ClinVar:

NM_000101.4(CYBA):c.421C>T (p.Arg141Trp)

Gene: CYBA (cytochrome b-245 alpha chain; minus strand). Cytogenetic location: 16q24.2.
Variant type: single nucleotide variant.
Coding change: c.421C>T on transcript NM_000101.4 (MANE Select); coding-DNA position 421, C replaced by T.
Protein change: p.Arg141Trp; replaces arginine 141 with tryptophan.
Molecular consequence: missense variant.
Genome position (GRCh38, 1-based): chr16:88,643,520, G>A on the plus strand (C>T on the coding strand, the complement: CYBA is on the minus strand). VCF-style: chr16-88643520-G-A. GRCh37 (hg19) VCF-style: chr16-88709928-G-A.
Other names: c.421C>T (NM_000101.2); short protein forms R141W.
Identifiers: ClinVar variation 664410 (VCV000664410.6), dbSNP rs776763356, ClinGen allele CA8228199.

ClinVar aggregate classification (germline): Uncertain significance. Review status: criteria provided, multiple submitters, no conflicts (2 of 4 stars). 3 submissions from 3 submitters: Uncertain significance (2). 1 of the submissions does not count toward it. Last evaluated 2025-03-22.

Conditions:
Inborn genetic diseases. Identifiers: MedGen C0950123, MeSH D030342.
Granulomatous disease, chronic, autosomal recessive, cytochrome b-negative. Also called: GRANULOMATOUS DISEASE, CHRONIC, AUTOSOMAL RECESSIVE, 4; CGD DUE TO DEFICIENCY OF THE ALPHA SUBUNIT OF CYTOCHROME b; CGD, AUTOSOMAL RECESSIVE CYTOCHROME b-NEGATIVE; CYBA DEFICIENCY; Chronic granulomatous disease, autosomal, due to deficiency of CYBA. Identifiers: Orphanet 379, MedGen C1856255, MONDO:0009308, OMIM 233690.
Chronic granulomatous disease. Identifiers: Orphanet 379, MedGen C0018203, MONDO:0018305.

Allele frequency attached by ClinVar (database versions not stated): gnomAD exomes 0.00001 and 0.00010; gnomAD 0.00002; TOPMed 0.00006; ExAC 0.00009.

Submissions (3):

Ambry Genetics
Classification: Uncertain significance for Inborn genetic diseases. Last evaluated: 2025-03-22. Review status: criteria provided, single submitter. Criteria: Ambry Variant Classification Scheme 2023. Collection method: clinical testing. Allele origin: germline.

Labcorp Genetics (formerly Invitae), Labcorp
Classification: Uncertain significance for Granulomatous disease, chronic, autosomal recessive, cytochrome b-negative. Last evaluated: 2022-10-17. Review status: criteria provided, single submitter. Criteria: Invitae Variant Classification Sherloc (09022015). Collection method: clinical testing. Allele origin: germline.
Comment: This sequence change replaces arginine, which is basic and polar, with tryptophan, which is neutral and slightly polar, at codon 141 of the CYBA protein (p.Arg141Trp). The frequency data for this variant in the population databases is considered unreliable, as metrics indicate poor data quality at this position in the gnomAD database. This variant has not been reported in the literature in individuals affected with CYBA-related conditions. ClinVar contains an entry for this variant (Variation ID: 664410). Algorithms developed to predict the effect of missense changes on protein structure and function are either unavailable or do not agree on the potential impact of this missense change (SIFT: "Deleterious"; PolyPhen-2: "Probably Damaging"; Align-GVGD: "Class C0"). In summary, the available evidence is currently insufficient to determine the role of this variant in disease. Therefore, it has been classified as a Variant of Uncertain Significance.

Natera, Inc.
Classification: Uncertain significance for Chronic granulomatous disease. Last evaluated: 2020-09-16. Review status: no assertion criteria provided. Collection method: clinical testing. Allele origin: germline. Not counted in ClinVar's aggregate classification.